The following is an entry in ClinVar:

NC_000007.14:g.156796074C>A

Genes: LMBR1 (limb development membrane protein 1; minus strand), SHH (sonic hedgehog signaling molecule; minus strand). Cytogenetic location: 7q36.3.
Variant type: single nucleotide variant.
Molecular consequence: intron variant (on NM_022458.4).
Genome position: GRCh38 VCF-style: chr7-156796074-C-A. GRCh37 (hg19) VCF-style: chr7-156588768-C-A.
Other names: c.360+315G>T (NM_001363412.2); c.144+315G>T (NM_001350954.2); c.423+315G>T (NM_001363410.2, NM_022458.4, NM_001363409.2 and 1 more transcripts); c.-112+315G>T (NM_001350958.2, NM_001350956.2, NM_001350955.2 and 1 more transcripts); c.54+315G>T (NM_001350957.2, NM_001363411.2).
Identifiers: ClinVar variation 2869557 (VCV002869557.3), dbSNP rs925123771, ClinGen allele CA579062398.

ClinVar aggregate classification (germline): Uncertain significance (1 of 4 stars; one submission).

Conditions:
Holoprosencephaly 3 (HPE3). Identifiers: Orphanet 2162, MedGen C1840529, MONDO:0007733, OMIM 142945.

Allele frequency attached by ClinVar (database versions not stated): TOPMed 0.00005; gnomAD 0.00006.
gnomAD v4.1: 9 of 152,122 alleles (0.0059%); highest among the groups gnomAD compares: Non-Finnish European, 0.013%; no homozygotes.

Submission:

Labcorp Genetics (formerly Invitae), Labcorp
Classification: Uncertain significance for Holoprosencephaly 3. Last evaluated: 2025-10-21. Review status: criteria provided, single submitter. Criteria: Invitae Variant Classification Sherloc (09022015). Collection method: clinical testing. Allele origin: germline.
Comment: This variant occurs in a non-coding region of the SHH gene. It does not change the encoded amino acid sequence of the SHH protein. This variant is present in population databases (no rsID available, gnomAD 0.01%). This variant has not been reported in the literature in individuals affected with SHH-related conditions. Experimental studies and prediction algorithms are not available or were not evaluated, and the effect of this variant on mRNA splicing is currently unknown. In summary, the available evidence is currently insufficient to determine the role of this variant in disease. Therefore, it has been classified as a Variant of Uncertain Significance.